The following is an entry in ClinVar:

NM_005918.4(MDH2):c.617T>G (p.Ile206Ser)

Gene: MDH2 (malate dehydrogenase 2; plus strand). Cytogenetic location: 7q11.23.
Variant type: single nucleotide variant.
Coding change: c.617T>G on transcript NM_005918.4 (MANE Select); coding-DNA position 617, T replaced by G.
Protein change: p.Ile206Ser; replaces isoleucine 206 with serine.
Molecular consequence: missense variant.
Genome position (GRCh38, 1-based): chr7:76,063,576, T>G. VCF-style: chr7-76063576-T-G. GRCh37 (hg19) VCF-style: chr7-75692894-T-G.
Other names: c.491T>G, p.Ile164Ser (NM_001282403.2); c.296T>G, p.Ile99Ser (NM_001282404.2); short protein forms I206S, I99S, I164S.
Identifiers: ClinVar variation 1752065 (VCV001752065.4), dbSNP rs782030499, ClinGen allele CA367766871.
Genomic context (GRCh38, chr7:76,063,576, plus strand): 5'-GTTTGGATCCAGCTCGAGTCAACGTCCCTGTCATTGGTGGCCATGCTGGGAAGACCATCA[T>G]CCCCCTGATCTCTCAGGTACACGCATATGACCCTGTGAGGGGCTTCGAGGTCAGGATTCC-3'
Protein context (NP_005909.2, residues 196-216): VIGGHAGKTI[Ile206Ser]PLISQCTPKV

ClinVar aggregate classification (germline): Uncertain significance. Review status: criteria provided, multiple submitters, no conflicts (2 of 4 stars). 2 submissions from 2 submitters: Uncertain significance (2). Last evaluated 2025-04-10.

Conditions:
Inborn genetic diseases. Identifiers: MedGen C0950123, MeSH D030342.

Submissions (2):

Labcorp Genetics (formerly Invitae), Labcorp
Classification: Uncertain significance. Last evaluated: 2025-04-10. Review status: criteria provided, single submitter. Criteria: Invitae Variant Classification Sherloc (09022015). Collection method: clinical testing. Allele origin: germline.
Comment: This sequence change replaces isoleucine, which is neutral and non-polar, with serine, which is neutral and polar, at codon 206 of the MDH2 protein (p.Ile206Ser). This variant is not present in population databases (gnomAD no frequency). This variant has not been reported in the literature in individuals affected with MDH2-related conditions. ClinVar contains an entry for this variant (Variation ID: 1752065). Invitae Evidence Modeling of protein sequence and biophysical properties (such as structural, functional, and spatial information, amino acid conservation, physicochemical variation, residue mobility, and thermodynamic stability) has been performed for this missense variant. However, the output from this modeling did not meet the statistical confidence thresholds required to predict the impact of this variant on MDH2 protein function. In summary, the available evidence is currently insufficient to determine the role of this variant in disease. Therefore, it has been classified as a Variant of Uncertain Significance.

Ambry Genetics
Classification: Uncertain significance for Inborn genetic diseases. Last evaluated: 2024-02-25. Review status: criteria provided, single submitter. Criteria: Ambry Variant Classification Scheme 2023. Collection method: clinical testing. Allele origin: germline.
Comment: The p.I206S variant (also known as c.617T>G), located in coding exon 6 of the MDH2 gene, results from a T to G substitution at nucleotide position 617. The isoleucine at codon 206 is replaced by serine, an amino acid with dissimilar properties. This amino acid position is conserved. In addition, this alteration is predicted to be deleterious by in silico analysis. Since supporting evidence is limited at this time, the clinical significance of this alteration remains unclear.